The following is an entry in ClinVar:

ClinVar aggregate classification (germline): Uncertain significance (1 of 4 stars; one submission).

Conditions:
Ataxia-telangiectasia syndrome (AT). Also called: LOUIS-BAR SYNDROME; Cerebello-oculocutaneous telangiectasia; Immunodeficiency with ataxia telangiectasia; ATAXIA-TELANGIECTASIA, COMPLEMENTATION GROUP A; ATAXIA-TELANGIECTASIA, FRESNO VARIANT; Ataxia-telangiectasia, complementation group D. Identifiers: Orphanet 100, MedGen C0004135, MONDO:0008840, OMIM 208900.

gnomAD v4.1: 1 of 1,613,790 alleles (0.000062%); highest among the groups gnomAD compares: Non-Finnish European, 0.000085%; no homozygotes.

Submission:

Labcorp Genetics (formerly Invitae), Labcorp
Classification: Uncertain significance for Ataxia-telangiectasia syndrome. Last evaluated: 2024-08-27. Review status: criteria provided, single submitter. Criteria: Invitae Variant Classification Sherloc (09022015). Collection method: clinical testing. Allele origin: germline.
Comment: This sequence change replaces glycine, which is neutral and non-polar, with glutamic acid, which is acidic and polar, at codon 204 of the ATM protein (p.Gly204Glu). This variant is not present in population databases (gnomAD no frequency). This variant has not been reported in the literature in individuals affected with ATM-related conditions. An algorithm developed to predict the effect of missense changes on protein structure and function (PolyPhen-2) suggests that this variant is likely to be tolerated. In summary, the available evidence is currently insufficient to determine the role of this variant in disease. Therefore, it has been classified as a Variant of Uncertain Significance.

NM_000051.4(ATM):c.611G>A (p.Gly204Glu)

Gene: ATM (ATM serine/threonine kinase; plus strand). Cytogenetic location: 11q22.3.
Variant type: single nucleotide variant.
Coding change: c.611G>A on transcript NM_000051.4 (MANE Select); coding-DNA position 611, G replaced by A.
Protein change: p.Gly204Glu; replaces glycine 204 with glutamic acid.
Molecular consequence: missense variant.
Genome position (GRCh38, 1-based): chr11:108,244,067, G>A. VCF-style: chr11-108244067-G-A. GRCh37 (hg19) VCF-style: chr11-108114794-G-A.
Other names: c.611G>A, p.Gly204Glu (NM_001351834.2); short protein forms G204E.
Identifiers: ClinVar variation 3663473 (VCV003663473.2).